The following is an entry in ClinVar:

NM_006767.4(LZTR1):c.1939A>C (p.Ile647Leu)

Gene: LZTR1 (leucine zipper like post translational regulator 1; plus strand). Cytogenetic location: 22q11.21.
Variant type: single nucleotide variant.
Coding change: c.1939A>C on transcript NM_006767.4 (MANE Select); coding-DNA position 1939, A replaced by C.
Protein change: p.Ile647Leu; replaces isoleucine 647 with leucine.
Molecular consequence: missense variant.
Genome position (GRCh38, 1-based): chr22:20,995,023, A>C. VCF-style: chr22-20995023-A-C. GRCh37 (hg19) VCF-style: chr22-21349312-A-C.
Other names: short protein forms I647L.
Identifiers: ClinVar variation 3869312 (VCV003869312.1).

ClinVar aggregate classification (germline): Uncertain significance (1 of 4 stars; one submission).

Conditions:
Cardiovascular phenotype. Identifiers: MedGen CN230736.
Hereditary cancer-predisposing syndrome. Also called: Tumor predisposition; Neoplastic Syndromes, Hereditary; Hereditary Cancer Syndrome; Hereditary neoplastic syndrome. Identifiers: Orphanet 140162, MedGen C0027672, MeSH D009386, MONDO:0015356.

Submission:

Ambry Genetics
Classification: Uncertain significance for Cardiovascular phenotype; Hereditary cancer-predisposing syndrome. Last evaluated: 2025-02-19. Review status: criteria provided, single submitter. Criteria: Ambry Variant Classification Scheme 2023. Collection method: clinical testing. Allele origin: germline.
Comment: The p.I647L variant (also known as c.1939A>C), located in coding exon 16 of the LZTR1 gene, results from an A to C substitution at nucleotide position 1939. The isoleucine at codon 647 is replaced by leucine, an amino acid with highly similar properties. This amino acid position is highly conserved in available vertebrate species. In addition, this alteration is predicted to be tolerated by in silico analysis. Based on the available evidence, the clinical significance of this variant remains unclear.